The following is an entry in ClinVar:

ClinVar aggregate classification (germline): Uncertain significance (1 of 4 stars; one submission).

Conditions:
Hereditary cancer-predisposing syndrome. Also called: Neoplastic Syndromes, Hereditary; Tumor predisposition; Hereditary neoplastic syndrome; Hereditary Cancer Syndrome. Identifiers: Orphanet 140162, MedGen C0027672, MeSH D009386, MONDO:0015356.

Submission:

Ambry Genetics
Classification: Uncertain significance for Hereditary cancer-predisposing syndrome. Last evaluated: 2024-01-05. Review status: criteria provided, single submitter. Criteria: Ambry Variant Classification Scheme 2023. Collection method: clinical testing. Allele origin: germline.
Comment: The p.A347V variant (also known as c.1040C>T), located in coding exon 1 of the MET gene, results from a C to T substitution at nucleotide position 1040. The alanine at codon 347 is replaced by valine, an amino acid with similar properties. This amino acid position is highly conserved in available vertebrate species. In addition, the in silico prediction for this alteration is inconclusive. Since supporting evidence is limited at this time, the clinical significance of this alteration remains unclear.

NM_000245.4(MET):c.1040C>T (p.Ala347Val)

Gene: MET (MET proto-oncogene, receptor tyrosine kinase; plus strand). Cytogenetic location: 7q31.2.
Variant type: single nucleotide variant.
Coding change: c.1040C>T on transcript NM_000245.4 (MANE Select); coding-DNA position 1040, C replaced by T.
Protein change: p.Ala347Val; replaces alanine 347 with valine.
Molecular consequence: missense variant. On other transcripts: intron variant (1).
Genome position (GRCh38, 1-based): chr7:116,700,124, C>T. VCF-style: chr7-116700124-C-T. GRCh37 (hg19) VCF-style: chr7-116340178-C-T.
Other names: c.1040C>T, p.Ala347Val (NM_001127500.3, NM_001324401.3); c.-91+27547C>T (NM_001324402.2); short protein forms A347V.
Identifiers: ClinVar variation 3232896 (VCV003232896.1), dbSNP rs2116604052, ClinGen allele CA368970409.
Genomic context (GRCh38, chr7:116,700,124, plus strand): 5'-CCCAGCTTGCTAGACAAATAGGAGCCAGCCTGAATGATGACATTCTTTTCGGGGTGTTCG[C>T]ACAAAGCAAGCCAGATTCTGCCGAACCAATGGATCGATCTGCCATGTGTGCATTCCCTAT-3'
Protein context (NP_000236.2, residues 337-357): LNDDILFGVF[Ala347Val]QSKPDSAEPM